The following is an entry in ClinVar:

ClinVar aggregate classification (germline): Uncertain significance (1 of 4 stars; one submission).

Conditions:
Primary familial hypertrophic cardiomyopathy (HCM). Identifiers: Orphanet 99739, MedGen C0949658, MeSH D024741, MONDO:0024573. Inheritance: Various modes of inheritance.
Dilated cardiomyopathy 1AA (CMD1AA). Also called: CARDIOMYOPATHY, FAMILIAL HYPERTROPHIC, 23, WITH OR WITHOUT LEFT VENTRICULAR NONCOMPACTION; CARDIOMYOPATHY, DILATED, 1AA, WITH OR WITHOUT LEFT VENTRICULAR NONCOMPACTION; Cardiomyopathy, dilated, 1AA, with or without LVNC. Identifiers: Orphanet 154, MedGen C2677338, MONDO:0012808, OMIM 612158.

Submission:

Labcorp Genetics (formerly Invitae), Labcorp
Classification: Uncertain significance for Primary familial hypertrophic cardiomyopathy; Dilated cardiomyopathy 1AA. Last evaluated: 2023-01-28. Review status: criteria provided, single submitter. Criteria: Invitae Variant Classification Sherloc (09022015). Collection method: clinical testing. Allele origin: germline.
Comment: In summary, the available evidence is currently insufficient to determine the role of this variant in disease. Therefore, it has been classified as a Variant of Uncertain Significance. This sequence change replaces threonine, which is neutral and polar, with alanine, which is neutral and non-polar, at codon 810 of the ACTN2 protein (p.Thr810Ala). This variant is not present in population databases (gnomAD no frequency). This variant has not been reported in the literature in individuals affected with ACTN2-related conditions. Algorithms developed to predict the effect of missense changes on protein structure and function are either unavailable or do not agree on the potential impact of this missense change (SIFT: "Deleterious"; PolyPhen-2: "Benign"; Align-GVGD: "Class C0").

NM_001103.4(ACTN2):c.2428A>G (p.Thr810Ala)

Gene: ACTN2 (actinin alpha 2; plus strand). Cytogenetic location: 1q43.
Variant type: single nucleotide variant.
Coding change: c.2428A>G on transcript NM_001103.4 (MANE Select); coding-DNA position 2428, A replaced by G.
Protein change: p.Thr810Ala; replaces threonine 810 with alanine.
Molecular consequence: missense variant.
Genome position (GRCh38, 1-based): chr1:236,761,075, A>G. VCF-style: chr1-236761075-A-G. GRCh37 (hg19) VCF-style: chr1-236924375-A-G.
Other names: c.2428A>G, p.Thr810Ala (NM_001278343.2); c.1804A>G, p.Thr602Ala (NM_001278344.2); c.1678A>G, p.Thr560Ala (NM_001412150.1); short protein forms T560A, T810A, T602A.
Identifiers: ClinVar variation 1963663 (VCV001963663.5), dbSNP rs1572151968, ClinGen allele CA345390798.